The following is an entry in ClinVar:

NM_000156.6(GAMT):c.172T>G (p.Ser58Ala)

Genes: GAMT (guanidinoacetate N-methyltransferase; minus strand), LOC130062945 (ATAC-STARR-seq lymphoblastoid silent region 9707; plus strand). Cytogenetic location: 19p13.3.
Variant type: single nucleotide variant.
Coding change: c.172T>G on transcript NM_000156.6 (MANE Select); coding-DNA position 172, T replaced by G.
Protein change: p.Ser58Ala; replaces serine 58 with alanine.
Molecular consequence: missense variant.
Genome position (GRCh38, 1-based): chr19:1,401,305, A>C on the plus strand (T>G on the coding strand, the complement: GAMT is on the minus strand). VCF-style: chr19-1401305-A-C. GRCh37 (hg19) VCF-style: chr19-1401304-A-C.
Other names: c.172T>G, p.Ser58Ala (NM_138924.3); short protein forms S58A.
Identifiers: ClinVar variation 4800482 (VCV004800482.1).
Genomic context (GRCh38, chr19:1,401,305, plus strand): 5'-CCTCAGTTTCCCCTGCGCCCCCGGGGGCGGTGCAGGCCGGGCGGGGGCTACCTTTGGAGG[A>C]GGCGGCGGCGGCCAGCGCGTGCATATAGGGGGTCTCCCAGCGCTCCATCACCGGCTTGCC-3'
Protein context (NP_000147.1, residues 48-68): PYMHALAAAA[Ser58Ala]SKGGRVLEVG

ClinVar aggregate classification (germline): Uncertain significance (1 of 4 stars; one submission).

Conditions:
Cerebral creatine deficiency syndrome. Also called: Creatine deficiency syndromes. Identifiers: Orphanet 79172, MedGen C5244016, MONDO:0000456.

gnomAD v4.1: 6 of 1,509,888 alleles (0.0004%); highest among the groups gnomAD compares: Admixed American, 0.002%; no homozygotes.

Submission:

Labcorp Genetics (formerly Invitae), Labcorp
Classification: Uncertain significance for Cerebral creatine deficiency syndrome. Last evaluated: 2025-11-13. Review status: criteria provided, single submitter. Criteria: Invitae Variant Classification Sherloc (09022015). Collection method: clinical testing. Allele origin: germline.
Comment: This sequence change replaces serine, which is neutral and polar, with alanine, which is neutral and non-polar, at codon 58 of the GAMT protein (p.Ser58Ala). This variant is not present in population databases (gnomAD no frequency). This variant has not been reported in the literature in individuals affected with GAMT-related conditions. Invitae Evidence Modeling of protein sequence and biophysical properties (such as structural, functional, and spatial information, amino acid conservation, physicochemical variation, residue mobility, and thermodynamic stability) indicates that this missense variant is not expected to disrupt GAMT protein function with a negative predictive value of 95%. In summary, the available evidence is currently insufficient to determine the role of this variant in disease. Therefore, it has been classified as a Variant of Uncertain Significance.